The following is an entry in ClinVar:

NM_006899.5(IDH3B):c.1095C>G (p.Gly365=)

Gene: IDH3B (isocitrate dehydrogenase (NAD(+)) 3 non-catalytic subunit beta; minus strand). Cytogenetic location: 20p13.
Variant type: single nucleotide variant.
Coding change: c.1095C>G on transcript NM_006899.5 (MANE Select); coding-DNA position 1095, C replaced by G.
Protein change: p.Gly365=; no amino-acid change (glycine 365 retained).
Molecular consequence: synonymous variant. On other transcripts: non-coding transcript variant (1), intron variant (1).
Genome position (GRCh38, 1-based): chr20:2,658,814, G>C on the plus strand (C>G on the coding strand, the complement: IDH3B is on the minus strand). VCF-style: chr20-2658814-G-C. GRCh37 (hg19) VCF-style: chr20-2639460-G-C.
Other names: c.1095C>G, p.Gly365= (NM_001330763.2); c.1072-292C>G (NM_174855.4).
Identifiers: ClinVar variation 1969127 (VCV001969127.5), dbSNP rs2086873390, ClinGen allele CA509394551.
Genomic context (GRCh38, chr20:2,658,814, plus strand): 5'-GCTCCCTTTAGTCTGCAGGTGACCGATGACAGACTTGATGAAGTCGGTTGTGGTGCTGTA[G>C]CCGCCCATGTCTCGAGTCCGCACCTACAGCCACCACCGGCAACAGCCGTGGGGAGGGAGA-3'
Protein context (NP_008830.2, residues 355-375): VGKVRTRDMG[Gly365=]YSTTTDFIKS

ClinVar aggregate classification (germline): Uncertain significance (1 of 4 stars; one submission).

Allele frequency attached by ClinVar (database versions not stated): gnomAD exomes below 0.00001; gnomAD 0.00001; TOPMed 0.00001.
gnomAD v4.1: 3 of 1,614,074 alleles (0.00019%); highest among the groups gnomAD compares: Non-Finnish European, 0.00025%; no homozygotes.

Submission:

Labcorp Genetics (formerly Invitae), Labcorp
Classification: Uncertain significance. Last evaluated: 2024-06-17. Review status: criteria provided, single submitter. Criteria: Invitae Variant Classification Sherloc (09022015). Collection method: clinical testing. Allele origin: germline.
Comment: This sequence change affects codon 365 of the IDH3B mRNA. It is a 'silent' change, meaning that it does not change the encoded amino acid sequence of the IDH3B protein. This variant is not present in population databases (gnomAD no frequency). This variant has not been reported in the literature in individuals affected with IDH3B-related conditions. ClinVar contains an entry for this variant (Variation ID: 1969127). Algorithms developed to predict the effect of sequence changes on RNA splicing suggest that this variant may disrupt the consensus splice site. In summary, the available evidence is currently insufficient to determine the role of this variant in disease. Therefore, it has been classified as a Variant of Uncertain Significance.